The following is an entry in ClinVar:

NM_001128840.3(CACNA1D):c.6314C>G (p.Thr2105Ser)

Gene: CACNA1D (calcium voltage-gated channel subunit alpha1 D; plus strand). Cytogenetic location: 3p21.1.
Variant type: single nucleotide variant.
Coding change: c.6314C>G on transcript NM_001128840.3 (MANE Select); coding-DNA position 6314, C replaced by G.
Protein change: p.Thr2105Ser; replaces threonine 2105 with serine.
Molecular consequence: missense variant.
Genome position (GRCh38, 1-based): chr3:53,811,234, C>G. VCF-style: chr3-53811234-C-G. GRCh37 (hg19) VCF-style: chr3-53845261-C-G.
Other names: c.6374C>G, p.Thr2125Ser (NM_000720.4); c.6242C>G, p.Thr2081Ser (NM_001128839.3); short protein forms T2081S, T2125S, T2105S.
Identifiers: ClinVar variation 1473347 (VCV001473347.8), dbSNP rs1471830095, ClinGen allele CA353259232.

ClinVar aggregate classification (germline): Uncertain significance (1 of 4 stars; one submission).

Allele frequency attached by ClinVar (database versions not stated): gnomAD 0.00001; TOPMed 0.00001.
gnomAD v4.1: 2 of 1,613,956 alleles (0.00012%); highest among the groups gnomAD compares: Non-Finnish European, 0.00017%; no homozygotes.

Submission:

Labcorp Genetics (formerly Invitae), Labcorp
Classification: Uncertain significance. Last evaluated: 2021-07-04. Review status: criteria provided, single submitter. Criteria: Invitae Variant Classification Sherloc (09022015). Collection method: clinical testing. Allele origin: germline.
Comment: In summary, the available evidence is currently insufficient to determine the role of this variant in disease. Therefore, it has been classified as a Variant of Uncertain Significance. Algorithms developed to predict the effect of missense changes on protein structure and function (SIFT, PolyPhen-2, Align-GVGD) all suggest that this variant is likely to be tolerated. This variant has not been reported in the literature in individuals affected with CACNA1D-related conditions. This variant is not present in population databases (ExAC no frequency). This sequence change replaces threonine with serine at codon 2125 of the CACNA1D protein (p.Thr2125Ser). The threonine residue is weakly conserved and there is a small physicochemical difference between threonine and serine.